The following is an entry in ClinVar:

NM_006734.4(HIVEP2):c.1603G>A (p.Val535Ile)

Gene: HIVEP2 (HIVEP zinc finger 2; minus strand). Cytogenetic location: 6q24.2.
Variant type: single nucleotide variant.
Coding change: c.1603G>A on transcript NM_006734.4 (MANE Select); coding-DNA position 1603, G replaced by A.
Protein change: p.Val535Ile; replaces valine 535 with isoleucine.
Molecular consequence: missense variant.
Genome position (GRCh38, 1-based): chr6:142,773,136, C>T on the plus strand (G>A on the coding strand, the complement: HIVEP2 is on the minus strand). VCF-style: chr6-142773136-C-T. GRCh37 (hg19) VCF-style: chr6-143094273-C-T.
Other names: c.1603G>A, p.Val535Ile (NM_001438449.1, NM_001438450.1, NM_001438451.1); short protein forms V535I.
Identifiers: ClinVar variation 5040079 (VCV005040079.1).
Genomic context (GRCh38, chr6:142,773,136, plus strand): 5'-TTAGATTAGTTGCTGAAGAAGTTGGCACTGAGTTGCTTCTAATAAGGGGTGAAGAGTCTA[C>T]AGGAGCTTCTAAGAGAACCGGGTTGCTGCCTTGGAAGTTTGCTGGATAAAGTTTTCCTTC-3'
Protein context (NP_006725.3, residues 525-545): GSNPVLLEAP[Val535Ile]DSSPLIRSNS

ClinVar aggregate classification (germline): Uncertain significance (1 of 4 stars; one submission).

Submission:

CeGaT Center for Human Genetics Tuebingen
Classification: Uncertain significance. Last evaluated: 2026-07-01. Review status: criteria provided, single submitter. Criteria: CeGaT Center For Human Genetics Tuebingen Variant Classification Criteria Version 2. Collection method: clinical testing. Allele origin: germline. Affected: yes. Observed: 1 variant allele.
Comment: HIVEP2: PM2, BP4